The following is an entry in ClinVar:

ClinVar aggregate classification (germline): Likely pathogenic (1 of 4 stars; one submission).

Submission:

Labcorp Genetics (formerly Invitae), Labcorp
Classification: Likely pathogenic. Last evaluated: 2023-08-05. Review status: criteria provided, single submitter. Criteria: Invitae Variant Classification Sherloc (09022015). Collection method: clinical testing. Allele origin: germline.
Comment: This sequence change affects an acceptor splice site in intron 27 of the UBR1 gene. It is expected to disrupt RNA splicing. Variants that disrupt the donor or acceptor splice site typically lead to a loss of protein function (PMID: 16199547), and loss-of-function variants in UBR1 are known to be pathogenic (PMID: 24599544). This variant is not present in population databases (gnomAD no frequency). This variant has not been reported in the literature in individuals affected with UBR1-related conditions. Algorithms developed to predict the effect of sequence changes on RNA splicing suggest that this variant may disrupt the consensus splice site. In summary, the currently available evidence indicates that the variant is pathogenic, but additional data are needed to prove that conclusively. Therefore, this variant has been classified as Likely Pathogenic.

Literature cited by the submitters: PubMed 16199547; PubMed 24599544.

NM_174916.3(UBR1):c.2941-1G>C

Gene: UBR1 (ubiquitin protein ligase E3 component n-recognin 1; minus strand). Cytogenetic location: 15q15.2.
Variant type: single nucleotide variant.
Coding change: c.2941-1G>C on transcript NM_174916.3 (MANE Select); the canonical splice acceptor site of the intron before coding-DNA position 2941, G replaced by C.
Molecular consequence: splice acceptor variant.
Genome position (GRCh38, 1-based): chr15:43,017,182, C>G on the plus strand (G>C on the coding strand, the complement: UBR1 is on the minus strand). VCF-style: chr15-43017182-C-G. GRCh37 (hg19) VCF-style: chr15-43309380-C-G.
Identifiers: ClinVar variation 2750363 (VCV002750363.3), dbSNP rs1255828000, ClinGen allele CA392063173.